The following is an entry in ClinVar:

NM_013322.3(SNX10):c.263G>T (p.Arg88Leu)

Gene: SNX10 (sorting nexin 10; plus strand). Cytogenetic location: 7p15.2.
Variant type: single nucleotide variant.
Coding change: c.263G>T on transcript NM_013322.3 (MANE Select); coding-DNA position 263, G replaced by T.
Protein change: p.Arg88Leu; replaces arginine 88 with leucine.
Molecular consequence: missense variant.
Genome position (GRCh38, 1-based): chr7:26,365,097, G>T. VCF-style: chr7-26365097-G-T. GRCh37 (hg19) VCF-style: chr7-26404717-G-T.
Other names: c.263G>T, p.Arg88Leu (NM_001199835.1, NM_001318199.3); c.254G>T, p.Arg85Leu (NM_001199837.3); c.11G>T, p.Arg4Leu (NM_001199838.2); c.341G>T, p.Arg114Leu (NM_001318198.1, NM_001362753.1, NM_001362754.1); short protein forms R88L, R114L, R4L, R85L.
Identifiers: ClinVar variation 1983980 (VCV001983980.4), dbSNP rs764873244, ClinGen allele CA367228364.

ClinVar aggregate classification (germline): Uncertain significance. Review status: criteria provided, multiple submitters, no conflicts (2 of 4 stars). 2 submissions from 2 submitters: Uncertain significance (2). Last evaluated 2025-10-15.

Conditions:
Inborn genetic diseases. Identifiers: MedGen C0950123, MeSH D030342.

gnomAD v4.1: 6 of 1,613,206 alleles (0.00037%); highest among the groups gnomAD compares: Non-Finnish European, 0.00051%; no homozygotes.

Submissions (2):

Ambry Genetics
Classification: Uncertain significance for Inborn genetic diseases. Last evaluated: 2025-10-15. Review status: criteria provided, single submitter. Criteria: Ambry Variant Classification Scheme 2023. Collection method: clinical testing. Allele origin: germline.

Labcorp Genetics (formerly Invitae), Labcorp
Classification: Uncertain significance. Last evaluated: 2022-11-08. Review status: criteria provided, single submitter. Criteria: Invitae Variant Classification Sherloc (09022015). Collection method: clinical testing. Allele origin: germline.
Comment: In summary, the available evidence is currently insufficient to determine the role of this variant in disease. Therefore, it has been classified as a Variant of Uncertain Significance. Algorithms developed to predict the effect of missense changes on protein structure and function (SIFT, PolyPhen-2, Align-GVGD) all suggest that this variant is likely to be tolerated. This variant has not been reported in the literature in individuals affected with SNX10-related conditions. This variant is present in population databases (no rsID available, gnomAD 0.002%). This sequence change replaces arginine, which is basic and polar, with leucine, which is neutral and non-polar, at codon 88 of the SNX10 protein (p.Arg88Leu).